The following is an entry in ClinVar:

NM_001379110.1(SLC9A6):c.1873A>G (p.Ser625Gly)

Gene: SLC9A6 (solute carrier family 9 member A6; plus strand). Cytogenetic location: Xq26.3.
Variant type: single nucleotide variant.
Coding change: c.1873A>G on transcript NM_001379110.1 (MANE Select); coding-DNA position 1873, A replaced by G.
Protein change: p.Ser625Gly; replaces serine 625 with glycine.
Molecular consequence: missense variant.
Genome position (GRCh38, 1-based): chrX:136,044,557, A>G. VCF-style: chrX-136044557-A-G. GRCh37 (hg19) VCF-style: chrX-135126716-A-G.
Other names: c.1939A>G, p.Ser647Gly (NM_001042537.2); c.1783A>G, p.Ser595Gly (NM_001177651.2); c.1687A>G, p.Ser563Gly (NM_001330652.2); c.1843A>G, p.Ser615Gly (NM_006359.3); short protein forms S647G, S615G, S563G, S595G, S625G.
Identifiers: ClinVar variation 537363 (VCV000537363.16), dbSNP rs558960349, ClinGen allele CA336249943.
Genomic context (GRCh38, chrX:136,044,557, plus strand): 5'-GATGGTGACATCAGTTTGACATATGGAGATTCTACTGTGAACACTGAACCGGCCACATCC[A>G]GCGCCCCAAGGAGATTTATGGGAAACAGTTCTGAAGATGCCTTGGATCGGGAGCTTGCAT-3'
Protein context (NP_001366039.1, residues 615-635): STVNTEPATS[Ser625Gly]APRRFMGNSS

ClinVar aggregate classification (germline): Conflicting classifications of pathogenicity. Review status: criteria provided, conflicting classifications (1 of 4 stars). 2 submissions from 2 submitters: Uncertain significance (1); Likely benign (1). Last evaluated 2025-12-01.

Conditions:
Christianson syndrome (MRXSCH). Also called: X-linked mental retardation, syndromic, Christianson type; SLC9A6-Related Syndromic Mental Retardation; INTELLECTUAL DEVELOPMENTAL DISORDER, X-LINKED, SYNDROMIC, CHRISTIANSON TYPE. Identifiers: Orphanet 85278, MedGen C2678194, MONDO:0010278, OMIM 300243.

Allele frequency attached by ClinVar (database versions not stated): gnomAD exomes below 0.00001 and 0.00001; gnomAD 0.00001 and 0.00002.
gnomAD v4.1: 4 of 1,209,642 alleles (0.00033%); highest among the groups gnomAD compares: Admixed American, 0.0087%; no homozygotes.

Submissions (2):

CeGaT Center for Human Genetics Tuebingen
Classification: Likely benign. Last evaluated: 2025-12-01. Review status: criteria provided, single submitter. Criteria: CeGaT Center For Human Genetics Tuebingen Variant Classification Criteria Version 2. Collection method: clinical testing. Allele origin: germline. Affected: yes. Observed: 1 variant allele.
Comment: SLC9A6: BP4

Labcorp Genetics (formerly Invitae), Labcorp
Classification: Uncertain significance for Christianson syndrome. Last evaluated: 2023-08-10. Review status: criteria provided, single submitter. Criteria: Invitae Variant Classification Sherloc (09022015). Collection method: clinical testing. Allele origin: germline.
Comment: In summary, the available evidence is currently insufficient to determine the role of this variant in disease. Therefore, it has been classified as a Variant of Uncertain Significance. Algorithms developed to predict the effect of missense changes on protein structure and function output the following: SIFT: "Not Available"; PolyPhen-2: "Benign"; Align-GVGD: "Not Available". The glycine amino acid residue is found in multiple mammalian species, which suggests that this missense change does not adversely affect protein function. ClinVar contains an entry for this variant (Variation ID: 537363). This variant has not been reported in the literature in individuals affected with SLC9A6-related conditions. This variant is present in population databases (rs558960349, gnomAD 0.008%), including at least one homozygous and/or hemizygous individual. This sequence change replaces serine, which is neutral and polar, with glycine, which is neutral and non-polar, at codon 615 of the SLC9A6 protein (p.Ser615Gly).